The following is an entry in ClinVar:

ClinVar aggregate classification (germline): Uncertain significance (1 of 4 stars; one submission).

Submission:

Labcorp Genetics (formerly Invitae), Labcorp
Classification: Uncertain significance. Last evaluated: 2024-05-15. Review status: criteria provided, single submitter. Criteria: Invitae Variant Classification Sherloc (09022015). Collection method: clinical testing. Allele origin: germline.
Comment: This sequence change replaces valine, which is neutral and non-polar, with leucine, which is neutral and non-polar, at codon 283 of the COL7A1 protein (p.Val283Leu). This variant is not present in population databases (gnomAD no frequency). This variant has not been reported in the literature in individuals affected with COL7A1-related conditions. Experimental studies and prediction algorithms are not available or were not evaluated, and the functional significance of this variant is currently unknown. In summary, the available evidence is currently insufficient to determine the role of this variant in disease. Therefore, it has been classified as a Variant of Uncertain Significance.

NM_000094.4(COL7A1):c.847G>C (p.Val283Leu)

Gene: COL7A1 (collagen type VII alpha 1 chain; minus strand). Cytogenetic location: 3p21.31.
Variant type: single nucleotide variant.
Coding change: c.847G>C on transcript NM_000094.4 (MANE Select); coding-DNA position 847, G replaced by C.
Protein change: p.Val283Leu; replaces valine 283 with leucine.
Molecular consequence: missense variant.
Genome position (GRCh38, 1-based): chr3:48,592,699, C>G on the plus strand (G>C on the coding strand, the complement: COL7A1 is on the minus strand). VCF-style: chr3-48592699-C-G. GRCh37 (hg19) VCF-style: chr3-48630132-C-G.
Other names: short protein forms V283L.
Identifiers: ClinVar variation 3613791 (VCV003613791.2).
Genomic context (GRCh38, chr3:48,592,699, plus strand): 5'-ACTCGGTCAGTGGCCGGAGACCCCGCAGCCGCACACTGGTCTCACCAGCTGGGACGTTCA[C>G]CTGCCCAGGGCAAGAGGTCACTTTATCTTGCCCAGCCAAGTCCCCAGCCACCACCTATCA-3'
Protein context (NP_000085.1, residues 273-293): GQPLPSERQE[Val283Leu]NVPAGETSVR